The following is an entry in ClinVar:

NM_001384732.1(CPLANE1):c.5978+4A>G

Gene: CPLANE1 (ciliogenesis and planar polarity effector complex subunit 1; minus strand). Cytogenetic location: 5p13.2.
Variant type: single nucleotide variant.
Coding change: c.5978+4A>G on transcript NM_001384732.1 (MANE Select); 4 bases into the intron after coding-DNA position 5978, A replaced by G.
Molecular consequence: intron variant.
Genome position (GRCh38, 1-based): chr5:37,175,905, T>C on the plus strand (A>G on the coding strand, the complement: CPLANE1 is on the minus strand). VCF-style: chr5-37175905-T-C. GRCh37 (hg19) VCF-style: chr5-37176007-T-C.
Other names: c.5978+4A>G (NM_023073.4).
Identifiers: ClinVar variation 1422289 (VCV001422289.6), dbSNP rs748763785, ClinGen allele CA3238376.

ClinVar aggregate classification (germline): Uncertain significance. Review status: criteria provided, multiple submitters, no conflicts (2 of 4 stars). 2 submissions from 2 submitters: Uncertain significance (2). Last evaluated 2022-06-27.

Conditions:
Orofaciodigital syndrome type 6 (OFD6). Also called: Oral-facial-digital syndrome type 6; Central polydactyly cleft lip/palate or lingual lump and psychomotor retardation; Y-shaped central metacarpal and cerebellar defect; Joubert syndrome with orofacialdigital anomalies; VARADI SYNDROME; VARADI-PAPP SYNDROME. Identifiers: Orphanet 2754, MedGen C2745997, MONDO:0010176, OMIM 277170.
Joubert syndrome 17 (JBTS17). Identifiers: Orphanet 475, MedGen C3553264, MONDO:0013824, OMIM 614615.

Allele frequency attached by ClinVar (database versions not stated): gnomAD 0.00001 and 0.00002; ExAC 0.00003; gnomAD exomes 0.00003 and 0.00006; TOPMed 0.00003.
gnomAD v4.1: 93 of 1,607,790 alleles (0.0058%); highest among the groups gnomAD compares: Non-Finnish European, 0.0077%; no homozygotes.

Submissions (2):

Labcorp Genetics (formerly Invitae), Labcorp
Classification: Uncertain significance. Last evaluated: 2022-06-27. Review status: criteria provided, single submitter. Criteria: Invitae Variant Classification Sherloc (09022015). Collection method: clinical testing. Allele origin: germline.
Comment: In summary, the available evidence is currently insufficient to determine the role of this variant in disease. Therefore, it has been classified as a Variant of Uncertain Significance. Variants that disrupt the consensus splice site are a relatively common cause of aberrant splicing (PMID: 17576681, 9536098). Algorithms developed to predict the effect of sequence changes on RNA splicing suggest that this variant may disrupt the consensus splice site. This variant has not been reported in the literature in individuals affected with CPLANE1-related conditions. This variant is present in population databases (rs748763785, gnomAD 0.006%). This sequence change falls in intron 31 of the CPLANE1 gene. It does not directly change the encoded amino acid sequence of the CPLANE1 protein. It affects a nucleotide within the consensus splice site.

Fulgent Genetics
Classification: Uncertain significance for Orofaciodigital syndrome type 6; Joubert syndrome 17. Last evaluated: 2021-12-30. Review status: criteria provided, single submitter. Criteria: ACMG Guidelines, 2015. Collection method: clinical testing. Allele origin: unknown.

Literature cited by the submitters: PubMed 17576681 (cited by Labcorp Genetics (formerly Invitae), Labcorp); PubMed 9536098 (cited by Labcorp Genetics (formerly Invitae), Labcorp).